The following is an entry in ClinVar:

ClinVar aggregate classification (germline): Uncertain significance (1 of 4 stars; one submission).

Submission:

Athena Diagnostics
Classification: Uncertain significance. Last evaluated: 2023-09-14. Review status: criteria provided, single submitter. Criteria: Athena Diagnostics Criteria. Collection method: clinical testing. Allele origin: unknown.
Comment: Available data are insufficient to determine the clinical significance of the variant at this time. This variant has not been reported in large, multi-ethnic general populations. Computational tools yielded predictions that this variant may interfere with normal RNA splicing.

NM_005529.7(HSPG2):c.5854+5G>A

Gene: HSPG2 (heparan sulfate proteoglycan 2; minus strand). Cytogenetic location: 1p36.12.
Variant type: single nucleotide variant.
Coding change: c.5854+5G>A on transcript NM_005529.7 (MANE Select); 5 bases into the intron after coding-DNA position 5854, G replaced by A.
Molecular consequence: intron variant.
Genome position (GRCh38, 1-based): chr1:21,855,518, C>T on the plus strand (G>A on the coding strand, the complement: HSPG2 is on the minus strand). VCF-style: chr1-21855518-C-T. GRCh37 (hg19) VCF-style: chr1-22182011-C-T.
Other names: c.5857+5G>A (NM_001291860.2).
Identifiers: ClinVar variation 2684223 (VCV002684223.1), dbSNP rs1253319131, ClinGen allele CA521900653.